The following is an entry in ClinVar:

NM_000390.4(CHM):c.167T>A (p.Leu56Ter)

Gene: CHM (CHM Rab escort protein; minus strand). Cytogenetic location: Xq21.2.
Variant type: single nucleotide variant.
Coding change: c.167T>A on transcript NM_000390.4 (MANE Select); coding-DNA position 167, T replaced by A.
Protein change: p.Leu56Ter; replaces leucine 56 with a stop codon.
Molecular consequence: nonsense. On other transcripts: 5 prime UTR variant (4).
Genome position (GRCh38, 1-based): chrX:85,981,759, A>T on the plus strand (T>A on the coding strand, the complement: CHM is on the minus strand). VCF-style: chrX-85981759-A-T. GRCh37 (hg19) VCF-style: chrX-85236763-A-T.
Other names: c.167T>A, p.Leu56Ter (NM_001145414.4); c.-278T>A (NM_001320959.1, NM_001362517.1); c.-274T>A (NM_001362518.2, NM_001362519.1); short protein forms L56*.
Identifiers: ClinVar variation 1452014 (VCV001452014.6), dbSNP rs2147712442, ClinGen allele CA413788283.

ClinVar aggregate classification (germline): Pathogenic (1 of 4 stars; one submission).

Submission:

Labcorp Genetics (formerly Invitae), Labcorp
Classification: Pathogenic. Last evaluated: 2021-09-15. Review status: criteria provided, single submitter. Criteria: Invitae Variant Classification Sherloc (09022015). Collection method: clinical testing. Allele origin: germline.
Comment: This sequence change creates a premature translational stop signal (p.Leu56*) in the CHM gene. It is expected to result in an absent or disrupted protein product. Loss-of-function variants in CHM are known to be pathogenic (PMID: 9067750, 23811034). This variant is not present in population databases (ExAC no frequency). This variant has not been reported in the literature in individuals affected with CHM-related conditions. For these reasons, this variant has been classified as Pathogenic.

Literature cited by the submitters: PubMed 9067750; PubMed 23811034.